The following is an entry in ClinVar:

NM_017775.4(TTC19):c.581+188G>A

Gene: TTC19 (tetratricopeptide repeat domain 19; plus strand). Cytogenetic location: 17p12.
Variant type: single nucleotide variant.
Coding change: c.581+188G>A on transcript NM_017775.4 (MANE Select); 188 bases into the intron after coding-DNA position 581, G replaced by A.
Molecular consequence: intron variant.
Genome position (GRCh38, 1-based): chr17:16,004,450, G>A. VCF-style: chr17-16004450-G-A. GRCh37 (hg19) VCF-style: chr17-15907764-G-A.
Other names: c.260+188G>A (NM_001271420.2).
Identifiers: ClinVar variation 684299 (VCV000684299.2), dbSNP rs56190835, ClinGen allele CA288188713.

ClinVar aggregate classification (germline): Benign. Review status: criteria provided, multiple submitters, no conflicts (2 of 4 stars). 2 submissions from 2 submitters: Benign (2). Last evaluated 2018-06-16.

Allele frequency attached by ClinVar (database versions not stated): gnomAD 0.05948 and 0.06038; TOPMed 0.06304; 1000 Genomes Project 0.07947; 1000 Genomes Project 30x 0.08057.
gnomAD v4.1: 9,006 of 152,250 alleles (5.9%); highest among the groups gnomAD compares: African/African-American, 12%; 388 homozygotes.

Submissions (2):

GeneDx
Classification: Benign. Last evaluated: 2018-06-16. Review status: criteria provided, single submitter. Criteria: GeneDx Variant Classification (06012015). Collection method: clinical testing. Allele origin: germline. Affected: yes.
Comment: This variant is considered likely benign or benign based on one or more of the following criteria: it is a conservative change, it occurs at a poorly conserved position in the protein, it is predicted to be benign by multiple in silico algorithms, and/or has population frequency not consistent with disease.

Breakthrough Genomics
Classification: Benign. Review status: criteria provided, single submitter. Criteria: ACMG Guidelines, 2015. Collection method: not provided. Allele origin: germline. Inheritance: Autosomal recessive inheritance. Affected: yes.